The following is an entry in ClinVar:

NM_002645.4(PIK3C2A):c.3290C>T (p.Pro1097Leu)

Gene: PIK3C2A (phosphatidylinositol-4-phosphate 3-kinase catalytic subunit type 2 alpha; minus strand). Cytogenetic location: 11p15.1.
Variant type: single nucleotide variant.
Coding change: c.3290C>T on transcript NM_002645.4 (MANE Select); coding-DNA position 3290, C replaced by T.
Protein change: p.Pro1097Leu; replaces proline 1097 with leucine.
Molecular consequence: missense variant.
Genome position (GRCh38, 1-based): chr11:17,114,392, G>A on the plus strand (C>T on the coding strand, the complement: PIK3C2A is on the minus strand). VCF-style: chr11-17114392-G-A. GRCh37 (hg19) VCF-style: chr11-17135939-G-A.
Other names: c.3290C>T, p.Pro1097Leu (NM_001321378.2); c.2150C>T, p.Pro717Leu (NM_001321380.2); c.3122C>T, p.Pro1041Leu (NM_001386870.1); c.3290C>T (NM_002645.2); short protein forms P717L, P1041L, P1097L.
Identifiers: ClinVar variation 2067230 (VCV002067230.2), dbSNP rs200808937, ClinGen allele CA5900830.

ClinVar aggregate classification (germline): Uncertain significance. Review status: criteria provided, multiple submitters, no conflicts (2 of 4 stars). 2 submissions from 2 submitters: Uncertain significance (2). Last evaluated 2024-11-13.

Allele frequency attached by ClinVar (database versions not stated): ExAC 0.00001; TOPMed 0.00002.

Submissions (2):

Ambry Genetics
Classification: Uncertain significance. Last evaluated: 2024-11-13. Review status: criteria provided, single submitter. Criteria: Ambry Variant Classification Scheme 2023. Collection method: clinical testing. Allele origin: germline.

Labcorp Genetics (formerly Invitae), Labcorp
Classification: Uncertain significance. Last evaluated: 2022-08-12. Review status: criteria provided, single submitter. Criteria: Invitae Variant Classification Sherloc (09022015). Collection method: clinical testing. Allele origin: germline.
Comment: This sequence change replaces proline, which is neutral and non-polar, with leucine, which is neutral and non-polar, at codon 1097 of the PIK3C2A protein (p.Pro1097Leu). This variant is present in population databases (rs200808937, gnomAD 0.005%), including at least one homozygous and/or hemizygous individual. This variant has not been reported in the literature in individuals affected with PIK3C2A-related conditions. Experimental studies and prediction algorithms are not available or were not evaluated, and the functional significance of this variant is currently unknown. Algorithms developed to predict the effect of sequence changes on RNA splicing suggest that this variant may disrupt the consensus splice site. In summary, the available evidence is currently insufficient to determine the role of this variant in disease. Therefore, it has been classified as a Variant of Uncertain Significance.